The following is an entry in ClinVar:

ClinVar aggregate classification (germline): Uncertain significance. Review status: criteria provided, multiple submitters, no conflicts (2 of 4 stars). 3 submissions from 3 submitters: Uncertain significance (3). Last evaluated 2025-04-09.

Allele frequency attached by ClinVar (database versions not stated): ExAC 0.00001.
gnomAD v4.1: 26 of 1,558,512 alleles (0.0017%); highest among the groups gnomAD compares: South Asian, 0.0023%; no homozygotes.

Submissions (3):

Ambry Genetics
Classification: Uncertain significance. Last evaluated: 2025-04-09. Review status: criteria provided, single submitter. Criteria: Ambry Variant Classification Scheme 2023. Collection method: clinical testing. Allele origin: germline.

GeneDx
Classification: Uncertain significance. Last evaluated: 2023-12-07. Review status: criteria provided, single submitter. Criteria: GeneDx Variant Classification Process June 2021. Collection method: clinical testing. Allele origin: germline. Affected: yes.
Comment: Not observed at significant frequency in large population cohorts (gnomAD); In silico analysis supports that this missense variant does not alter protein structure/function; Has not been previously published as pathogenic or benign to our knowledge

Labcorp Genetics (formerly Invitae), Labcorp
Classification: Uncertain significance. Last evaluated: 2023-03-15. Review status: criteria provided, single submitter. Criteria: Invitae Variant Classification Sherloc (09022015). Collection method: clinical testing. Allele origin: germline.
Comment: ClinVar contains an entry for this variant (Variation ID: 1314214). In summary, the available evidence is currently insufficient to determine the role of this variant in disease. Therefore, it has been classified as a Variant of Uncertain Significance. An algorithm developed to predict the effect of missense changes on protein structure and function (PolyPhen-2) suggests that this variant is likely to be disruptive. This variant has not been reported in the literature in individuals affected with SRP72-related conditions. This variant is present in population databases (rs773611833, gnomAD 0.01%). This sequence change replaces glycine, which is neutral and non-polar, with arginine, which is basic and polar, at codon 8 of the SRP72 protein (p.Gly8Arg).

NM_006947.4(SRP72):c.22G>C (p.Gly8Arg)

Genes: SRP72 (signal recognition particle 72; plus strand), LOC129992625 (ATAC-STARR-seq lymphoblastoid active region 21580; plus strand). Cytogenetic location: 4q12.
Variant type: single nucleotide variant.
Coding change: c.22G>C on transcript NM_006947.4 (MANE Select); coding-DNA position 22, G replaced by C.
Protein change: p.Gly8Arg; replaces glycine 8 with arginine.
Molecular consequence: missense variant. On other transcripts: non-coding transcript variant (1).
Genome position (GRCh38, 1-based): chr4:56,467,657, G>C. VCF-style: chr4-56467657-G-C. GRCh37 (hg19) VCF-style: chr4-57333823-G-C.
Other names: c.22G>C, p.Gly8Arg (NM_001267722.2); short protein forms G8R.
Identifiers: ClinVar variation 1314214 (VCV001314214.9), dbSNP rs773611833, ClinGen allele CA2930928.